The following is an entry in ClinVar:

NM_016519.6(AMBN):c.730G>A (p.Val244Met)

Gene: AMBN (ameloblastin; plus strand). Cytogenetic location: 4q13.3.
Variant type: single nucleotide variant.
Coding change: c.730G>A on transcript NM_016519.6 (MANE Select); coding-DNA position 730, G replaced by A.
Protein change: p.Val244Met; replaces valine 244 with methionine.
Molecular consequence: missense variant.
Genome position (GRCh38, 1-based): chr4:70,603,437, G>A. VCF-style: chr4-70603437-G-A. GRCh37 (hg19) VCF-style: chr4-71469154-G-A.
Other names: short protein forms V244M.
Identifiers: ClinVar variation 3356356 (VCV003356356.1).

ClinVar aggregate classification (germline): Benign (0 of 4 stars; one submission).

Conditions:
AMBN-related disorder. Also called: AMBN-related condition.

Submission:

PreventionGenetics, part of Exact Sciences
Classification: Benign for AMBN-related condition. Last evaluated: 2024-03-19. Review status: no assertion criteria provided. Collection method: clinical testing. Allele origin: germline.
Comment: This variant is classified as benign based on ACMG/AMP sequence variant interpretation guidelines (Richards et al. 2015 PMID: 25741868, with internal and published modifications).